The following is an entry in ClinVar:

ClinVar aggregate classification (germline): Uncertain significance (1 of 4 stars; one submission).

Conditions:
Familial cancer of breast. Also called: BREAST CANCER, FAMILIAL; Hereditary breast cancer; hereditary breast carcinoma. Identifiers: Orphanet 227535, MedGen C0346153, MONDO:0016419, OMIM 114480. Disease mechanism: loss of function.

gnomAD v4.1: 3 of 1,583,806 alleles (0.00019%); highest among the groups gnomAD compares: Middle Eastern, 0.017%; no homozygotes.

Submission:

Laboratorio de Genetica e Diagnostico Molecular, Hospital Israelita Albert Einstein
Classification: Uncertain significance for Familial cancer of breast. Last evaluated: 2023-09-13. Review status: criteria provided, single submitter. Criteria: ACMG Guidelines, 2015. Collection method: clinical testing. Allele origin: germline. Affected: yes.
Comment: ACMG classification criteria: PM2 moderate, BP4 supporting

NM_001142556.2(HMMR):c.1535T>A (p.Met512Lys)

Genes: HMMR (hyaluronan mediated motility receptor; plus strand), HMMR-AS1 (HMMR antisense RNA 1; minus strand). Cytogenetic location: 5q34.
Variant type: single nucleotide variant.
Coding change: c.1535T>A on transcript NM_001142556.2 (MANE Select); coding-DNA position 1535, T replaced by A.
Protein change: p.Met512Lys; replaces methionine 512 with lysine.
Molecular consequence: missense variant. On other transcripts: non-coding transcript variant (1).
Genome position (GRCh38, 1-based): chr5:163,483,022, T>A. VCF-style: chr5-163483022-T-A. GRCh37 (hg19) VCF-style: chr5-162910028-T-A.
Other names: c.1274T>A, p.Met425Lys (NM_001142557.2); c.1532T>A, p.Met511Lys (NM_012484.3); c.1487T>A, p.Met496Lys (NM_012485.3); short protein forms M425K, M496K, M511K, M512K.
Identifiers: ClinVar variation 4056721 (VCV004056721.1).